The following is an entry in ClinVar:

NM_015629.4(PRPF31):c.1156_1295del140insCCCAGATCGCAGCCTCCCTGCAGAAGCAGAGCGTCTTGGAGATCCTGGCCTTGGTGGCCTCGTTTACCTGTGTCTGCCGCACACGCCCACTGCCCGACTTGCCCAGGTGGCCCAGGCTGAATCCCAGGTCCTCCTGGTAGGCGTCCTCCT (p.Asp386_Ser432delinsProArgSerGlnProProCysArgSerArgAlaSerTrpArgSerTrpProTrpTrpProArgLeuProValSerAlaAlaHisAlaHisCysProThrCysProGlyGlyProGlyTer)

Gene: PRPF31 (pre-mRNA processing factor 31; plus strand). Cytogenetic location: 19q13.42.
Variant type: Indel.
Coding change: c.1156_1295del140insCCCAGATCGCAGCCTCCCTGCAGAAGCAGAGCGTCTTGGAGATCCTGGCCTTGGTGGCCTCGTTTACCTGTGTCTGCCGCACACGCCCACTGCCCGACTTGCCCAGGTGGCCCAGGCTGAATCCCAGGTCCTCCTGGTAGGCGTCCTCCT on transcript NM_015629.4 (MANE Select); coding-DNA positions 1156 to 1295, 140 bases deleted.
Protein change: p.Asp386_Ser432delinsProArgSerGlnProProCysArgSerArgAlaSerTrpArgSerTrpProTrpTrpProArgLeuProValSerAlaAlaHisAlaHisCysProThrCysProGlyGlyProGlyTer.
Molecular consequence: nonsense, splice acceptor variant, splice donor variant.
Genome position: GRCh38: chr19:54,129,066-54,129,291. GRCh37 (hg19): chr19:54,632,441-54,632,666.
Identifiers: ClinVar variation 1460074 (VCV001460074.8), ClinGen allele CA2573156668.

ClinVar aggregate classification (germline): Pathogenic (1 of 4 stars; one submission).

Submission:

Labcorp Genetics (formerly Invitae), Labcorp
Classification: Pathogenic. Last evaluated: 2022-02-04. Review status: criteria provided, single submitter. Criteria: Invitae Variant Classification Sherloc (09022015). Collection method: clinical testing. Allele origin: germline.
Comment: This variant results in the deletion of part of exons 12 and 13 (c.1156_1295delins150, p.Asp386Profs*40) of the PRPF31 gene. This deletion is out-of-frame, and is expected to create a premature termination codon and result in an absent or disrupted protein product. Loss-of-function variants in PRPF31 are known to be pathogenic (PMID: 18317597, 23950152). This variant is not present in population databases (gnomAD no frequency). This variant has not been reported in the literature in individuals affected with PRPF31-related conditions. Algorithms developed to predict the effect of sequence changes on RNA splicing suggest that this variant may create or strengthen a splice site. For these reasons, this variant has been classified as Pathogenic.

Literature cited by the submitters: PubMed 18317597; PubMed 23950152.